The following is an entry in ClinVar:

NM_003998.4(NFKB1):c.133del (p.Leu45fs)

Gene: NFKB1 (nuclear factor kappa B subunit 1; plus strand). Cytogenetic location: 4q24.
Variant type: Deletion.
Coding change: c.133del on transcript NM_003998.4 (MANE Select); coding-DNA position 133, one base deleted (C; older notation c.133delC).
Protein change: p.Leu45fs; shifts the reading frame from leucine 45.
Molecular consequence: frameshift variant.
Genome position (GRCh38, 1-based): chr4:102,533,859, C deleted; the last of 2 consecutive C bases (chr4:102,533,858-102,533,859); deleting either gives the same sequence. VCF-style (leftmost placement, unchanged base first): chr4-102533857-AC-A. GRCh37 (hg19) VCF-style: chr4-103455014-AC-A.
Other names: c.130del, p.Leu44fs (NM_001165412.2, NM_001319226.2, NM_001382627.1); c.133del, p.Leu45fs (NM_001382625.1, NM_001382626.1); c.91del, p.Leu31fs (NM_001382628.1); short protein forms L31fs, L44fs, L45fs.
Identifiers: ClinVar variation 4852397 (VCV004852397.1).
Genomic context (GRCh38, chr4:102,533,857, plus strand): 5'-GAAGCCTCACAGTTTCTTTTGGTTTCTGTTTGTTGTTTTTGTTTTTAGCAGATGGCCCAT[AC>A]CTTCAAATATTAGAGCAACCTAAACAGGTAAGATTAAAGGGGTGGGACTTTAAATGTTAG-3'

ClinVar aggregate classification (germline): Pathogenic (1 of 4 stars; one submission).

Conditions:
Primary immunodeficiency or monogenic inflammatory bowel disease.

Submission:

North West Genomic Laboratory Hub, Manchester University NHS Foundation Trust
Classification: Pathogenic for Primary immunodeficiency or monogenic inflammatory bowel disease. Last evaluated: 2024-05-10. Review status: criteria provided, single submitter. Criteria: ACGS Best Practice Guidelines for Variant Classification in Rare Disease 2020. Collection method: clinical testing. Allele origin: germline. Affected: yes.
Comment: PVS1_VStr PM2_Mod